The following is an entry in ClinVar:

ClinVar aggregate classification (germline): Uncertain significance (1 of 4 stars; one submission).

Conditions:
Melnick-Fraser syndrome (BOR). Also called: Branchiootorenal syndrome; Branchiootorenal Syndrome (BORS); Branchio-oto-renal syndrome. Identifiers: Orphanet 107, MedGen C0265234, MONDO:0007029.

Submission:

Labcorp Genetics (formerly Invitae), Labcorp
Classification: Uncertain significance for Melnick-Fraser syndrome. Last evaluated: 2024-11-26. Review status: criteria provided, single submitter. Criteria: Invitae Variant Classification Sherloc (09022015). Collection method: clinical testing. Allele origin: germline.
Comment: This sequence change replaces isoleucine, which is neutral and non-polar, with valine, which is neutral and non-polar, at codon 444 of the EYA1 protein (p.Ile444Val). This variant is not present in population databases (gnomAD no frequency). This variant has not been reported in the literature in individuals affected with EYA1-related conditions. Invitae Evidence Modeling of protein sequence and biophysical properties (such as structural, functional, and spatial information, amino acid conservation, physicochemical variation, residue mobility, and thermodynamic stability) has been performed for this missense variant. However, the output from this modeling did not meet the statistical confidence thresholds required to predict the impact of this variant on EYA1 protein function. In summary, the available evidence is currently insufficient to determine the role of this variant in disease. Therefore, it has been classified as a Variant of Uncertain Significance.

NM_000503.6(EYA1):c.1330A>G (p.Ile444Val)

Gene: EYA1 (EYA transcriptional coactivator and phosphatase 1; minus strand). Cytogenetic location: 8q13.3.
Variant type: single nucleotide variant.
Coding change: c.1330A>G on transcript NM_000503.6 (MANE Select); coding-DNA position 1330, A replaced by G.
Protein change: p.Ile444Val; replaces isoleucine 444 with valine.
Molecular consequence: missense variant.
Genome position (GRCh38, 1-based): chr8:71,216,722, T>C on the plus strand (A>G on the coding strand, the complement: EYA1 is on the minus strand). VCF-style: chr8-71216722-T-C. GRCh37 (hg19) VCF-style: chr8-72128957-T-C.
Other names: c.1312A>G, p.Ile438Val (NM_001288574.2, NM_172059.5); c.964A>G, p.Ile322Val (NM_001288575.2); c.1417A>G, p.Ile473Val (NM_001370333.1); c.1330A>G, p.Ile444Val (NM_001370334.1, NM_001370335.1, NM_172058.4); c.1309A>G, p.Ile437Val (NM_001370336.1); c.1231A>G, p.Ile411Val (NM_001411797.1, NM_172060.4); short protein forms I411V, I444V, I473V, I438V, I322V, I437V.
Identifiers: ClinVar variation 3701249 (VCV003701249.2).